The following is an entry in ClinVar:

ClinVar aggregate classification (germline): Pathogenic (1 of 4 stars; one submission).

Submission:

Labcorp Genetics (formerly Invitae), Labcorp
Classification: Pathogenic. Last evaluated: 2025-06-22. Review status: criteria provided, single submitter. Criteria: Invitae Variant Classification Sherloc (09022015). Collection method: clinical testing. Allele origin: germline.
Comment: This sequence change creates a premature translational stop signal (Splice site) in the CARMIL2 gene. It is expected to result in an absent or disrupted protein product. Loss-of-function variants in CARMIL2 are known to be pathogenic (PMID: 27647349, 28112205). This variant is not present in population databases (gnomAD no frequency). This variant has not been reported in the literature in individuals affected with CARMIL2-related conditions. Algorithms developed to predict the effect of sequence changes on RNA splicing suggest that this variant may disrupt the consensus splice site. For these reasons, this variant has been classified as Pathogenic.

Literature cited by the submitters: PubMed 27647349; PubMed 28112205.

NM_001013838.3(CARMIL2):c.1334dup (p.Lys446fs)

Gene: CARMIL2 (capping protein regulator and myosin 1 linker 2; plus strand). Cytogenetic location: 16q22.1.
Variant type: Duplication.
Coding change: c.1334dup on transcript NM_001013838.3 (MANE Select); coding-DNA position 1334, one base duplicated (C; older notation c.1334dupC).
Protein change: p.Lys446fs; shifts the reading frame from lysine 446.
Molecular consequence: frameshift variant.
Genome position (GRCh38, 1-based): chr16:67,648,314, C duplicated. VCF-style (leftmost placement, unchanged base first): chr16-67648313-A-AC. GRCh37 (hg19) VCF-style: chr16-67682216-A-AC.
Other names: c.1226dup, p.Lys410fs (NM_001438244.1, NM_001438835.1, NM_001317026.3); short protein forms K410fs, K446fs.
Identifiers: ClinVar variation 4775388 (VCV004775388.1).